The following is an entry in ClinVar:

ClinVar aggregate classification (germline): Benign/Likely benign. Review status: criteria provided, multiple submitters, no conflicts (2 of 4 stars). 4 submissions from 4 submitters: Benign (1); Likely benign (3). Last evaluated 2026-05-14.

Conditions:
Neurofibromatosis, type 1 (NF1). Also called: VON RECKLINGHAUSEN DISEASE; NEUROFIBROMATOSIS, TYPE I, SOMATIC; Neurofibromatosis, type I; Peripheral type neurofibromatosis. Identifiers: Orphanet 636, MedGen C0027831, MONDO:0018975, OMIM 162200. Disease mechanism: loss of function.

Submissions (4):

Myriad Genetics, Inc.
Classification: Benign for Neurofibromatosis, type 1. Last evaluated: 2026-05-14. Review status: criteria provided, single submitter. Criteria: Myriad Autosomal Dominant, Autosomal Recessive and X-Linked Classification Criteria (2023). Collection method: clinical testing. Allele origin: unknown.
Comment: This variant is considered benign. This variant is a silent/synonymous amino acid change and it is not expected to impact splicing.

Labcorp Genetics (formerly Invitae), Labcorp
Classification: Likely benign for Neurofibromatosis, type 1. Last evaluated: 2024-05-23. Review status: criteria provided, single submitter. Criteria: Invitae Variant Classification Sherloc (09022015). Collection method: clinical testing. Allele origin: germline.

Genome-Nilou Lab
Classification: Likely benign for Neurofibromatosis, type 1. Last evaluated: 2022-03-15. Review status: criteria provided, single submitter. Criteria: ACMG Guidelines, 2015. Collection method: clinical testing. Allele origin: germline. Affected: no.

GeneDx
Classification: Likely benign. Last evaluated: 2016-11-11. Review status: criteria provided, single submitter. Criteria: GeneDx Variant Classification (06012015). Collection method: clinical testing. Allele origin: germline. Affected: yes.
Comment: This variant is considered likely benign or benign based on one or more of the following criteria: it is a conservative change, it occurs at a poorly conserved position in the protein, it is predicted to be benign by multiple in silico algorithms, and/or has population frequency not consistent with disease.

NM_001042492.3(NF1):c.153T>C (p.Phe51=)

Gene: NF1 (neurofibromin 1; plus strand). Cytogenetic location: 17q11.2.
Variant type: single nucleotide variant.
Coding change: c.153T>C on transcript NM_001042492.3 (MANE Select); coding-DNA position 153, T replaced by C.
Protein change: p.Phe51=; no amino-acid change (phenylalanine 51 retained).
Molecular consequence: synonymous variant.
Genome position (GRCh38, 1-based): chr17:31,156,075, T>C. VCF-style: chr17-31156075-T-C. GRCh37 (hg19) VCF-style: chr17-29483093-T-C.
Other names: c.153T>C, p.Phe51= (NM_000267.4, NM_001128147.3).
Identifiers: ClinVar variation 390802 (VCV000390802.11), dbSNP rs1057523892, ClinGen allele CA16607555.
Genomic context (GRCh38, chr17:31,156,075, plus strand): 5'-TACCAAAGTCAGTACTGAGCACAACAAGGAATGTCTAATCAATATTTCCAAATACAAGTT[T>C]TCTTTGGTTATAAGCGGCCTCACTACTATTTTAAAGAATGTTAACAATATGGTGAGTATT-3'
Protein context (NP_001035957.1, residues 41-61): ECLINISKYK[Phe51=]SLVISGLTTI